The following is an entry in ClinVar:

NM_000090.4(COL3A1):c.473A>G (p.Tyr158Cys)

Gene: COL3A1 (collagen type III alpha 1 chain; plus strand). Cytogenetic location: 2q32.2.
Variant type: single nucleotide variant.
Coding change: c.473A>G on transcript NM_000090.4 (MANE Select); coding-DNA position 473, A replaced by G.
Protein change: p.Tyr158Cys; replaces tyrosine 158 with cysteine.
Molecular consequence: missense variant.
Genome position (GRCh38, 1-based): chr2:188,987,084, A>G. VCF-style: chr2-188987084-A-G. GRCh37 (hg19) VCF-style: chr2-189851810-A-G.
Other names: short protein forms Y158C.
Identifiers: ClinVar variation 1488273 (VCV001488273.6), dbSNP rs2153501637, ClinGen allele CA349848086.
Genomic context (GRCh38, chr2:188,987,084, plus strand): 5'-TAAAATGATCATATCTATTTGTCTCCTTGCCACAGAACTATTCTCCCCAGTATGATTCAT[A>G]TGATGTCAAGTCTGGAGTAGCAGTAGGAGGACTCGCAGGCTATCCTGGACCAGCTGTACG-3'
Protein context (NP_000081.2, residues 148-168): PQNYSPQYDS[Tyr158Cys]DVKSGVAVGG

ClinVar aggregate classification (germline): Uncertain significance (1 of 4 stars; one submission).

Conditions:
Ehlers-Danlos syndrome, type 4 (EDSVASC). Also called: Ehlers-Danlos syndrome vascular type; Ehlers Danlos syndrome, ecchymotic type; Ehlers Danlos syndrome, arterial type; Ehlers Danlos syndrome, Sack-Barabas type; Ehlers-Danlos Syndrome Type IV. Identifiers: Orphanet 286, MedGen C0268338, MONDO:0017314, OMIM 130050.

Submission:

Labcorp Genetics (formerly Invitae), Labcorp
Classification: Uncertain significance for Ehlers-Danlos syndrome, type 4. Last evaluated: 2021-09-18. Review status: criteria provided, single submitter. Criteria: Invitae Variant Classification Sherloc (09022015). Collection method: clinical testing. Allele origin: germline.
Comment: In summary, the available evidence is currently insufficient to determine the role of this variant in disease. Therefore, it has been classified as a Variant of Uncertain Significance. Advanced modeling of protein sequence and biophysical properties (such as structural, functional, and spatial information, amino acid conservation, physicochemical variation, residue mobility, and thermodynamic stability) performed at Invitae indicates that this missense variant is not expected to disrupt COL3A1 protein function. This variant has not been reported in the literature in individuals affected with COL3A1-related conditions. This variant is not present in population databases (ExAC no frequency). This sequence change replaces tyrosine with cysteine at codon 158 of the COL3A1 protein (p.Tyr158Cys). The tyrosine residue is highly conserved and there is a large physicochemical difference between tyrosine and cysteine.